The following is an entry in ClinVar:

ClinVar aggregate classification (germline): Likely pathogenic (1 of 4 stars; one submission).

Submission:

Broad Center for Mendelian Genomics, Broad Institute of MIT and Harvard
Classification: Likely pathogenic. Last evaluated: 2019-02-07. Review status: criteria provided, single submitter. Criteria: ACMG Guidelines, 2015. Collection method: research. Allele origin: de novo. Inheritance: Autosomal dominant inheritance. Affected: yes.
Comment: Trio exome analysis showed this variant to be de novo. The p.Leu979Trpfs*9 variant in KMT2E has not been previously reported in developmental delay and was absent from large population studies. This variant is predicted to cause a frameshift, which alters the proteinâ€™s amino acid sequence beginning at position 979 and leads to a premature termination codon 9 amino acids downstream. This alteration is then predicted to lead to a truncated or absent protein. It is of note, that loss of function of the KMT2E gene in autosomal dominant disease has not yet been established based on the criteria laid out in Tayoun, 2018 (PMID: 30192042). In summary, although additional studies are required to fully establish its clinical significance, this variant is likely pathogenic.

NM_182931.3(KMT2E):c.2936del (p.Leu979fs)

Gene: KMT2E (lysine methyltransferase 2E (inactive); plus strand). Cytogenetic location: 7q22.3.
Variant type: Deletion.
Coding change: c.2936del on transcript NM_182931.3 (MANE Select); coding-DNA position 2936, one base deleted (T; older notation c.2936delT).
Protein change: p.Leu979fs; shifts the reading frame from leucine 979.
Molecular consequence: frameshift variant.
Genome position (GRCh38, 1-based): chr7:105,107,393, T deleted; the last of 2 consecutive T bases (chr7:105,107,392-105,107,393); deleting either gives the same sequence. VCF-style (leftmost placement, unchanged base first): chr7-105107391-AT-A. GRCh37 (hg19) VCF-style: chr7-104747838-AT-A.
Other names: c.2936del, p.Leu979fs (NM_018682.4); short protein forms L979fs.
Identifiers: ClinVar variation 805907 (VCV000805907.2), dbSNP rs1584805072, ClinGen allele CA913184808.
Genomic context (GRCh38, chr7:105,107,391, plus strand): 5'-TGTGTAATTTTTTTTTTTAATTTGTAAACAGGGATATGACAGATCTTCAACCATGTTAAC[AT>A]TGGGGCCTTTTAGAAATTCTAATTTAACTGAACTGGGTCTGCAAGAAATAAAGACTATTG-3'